The following is an entry in ClinVar:

ClinVar aggregate classification (germline): Pathogenic/Likely pathogenic. Review status: criteria provided, multiple submitters, no conflicts (2 of 4 stars). 2 submissions from 2 submitters: Pathogenic (1); Likely pathogenic (1). Last evaluated 2023-04-13.

Conditions:
Spastic paraplegia. Identifiers: MedGen C0037772, HP:0001258.
Charlevoix-Saguenay spastic ataxia (SACS). Also called: AUTOSOMAL RECESSIVE SPASTIC ATAXIA OF CHARLEVOIX-SAGUENAY; Spastic ataxia of Charlevoix-Saguenay; SPASTIC ATAXIA 6, AUTOSOMAL RECESSIVE. Identifiers: Orphanet 98, MedGen C1849140, MONDO:0010041, OMIM 270550.

Submissions (2):

Baylor Genetics
Classification: Likely pathogenic for Charlevoix-Saguenay spastic ataxia. Last evaluated: 2023-04-13. Review status: criteria provided, single submitter. Criteria: ACMG Guidelines, 2015. Collection method: clinical testing. Allele origin: unknown.

Labcorp Genetics (formerly Invitae), Labcorp
Classification: Pathogenic for Spastic paraplegia. Last evaluated: 2022-09-18. Review status: criteria provided, single submitter. Criteria: Invitae Variant Classification Sherloc (09022015). Collection method: clinical testing. Allele origin: germline.
Comment: This sequence change creates a premature translational stop signal (p.Thr2289Serfs*2) in the SACS gene. While this is not anticipated to result in nonsense mediated decay, it is expected to disrupt the last 2291 amino acid(s) of the SACS protein. This variant is not present in population databases (gnomAD no frequency). This variant has not been reported in the literature in individuals affected with SACS-related conditions. This variant disrupts a region of the SACS protein in which other variant(s) (p.Asn4549Asp) have been determined to be pathogenic (PMID: 15156359, 21507954). This suggests that this is a clinically significant region of the protein, and that variants that disrupt it are likely to be disease-causing. For these reasons, this variant has been classified as Pathogenic.

Literature cited by the submitters: PubMed 15156359 (cited by Labcorp Genetics (formerly Invitae), Labcorp); PubMed 21507954 (cited by Labcorp Genetics (formerly Invitae), Labcorp).

NM_014363.6(SACS):c.6866_6867del (p.Thr2289fs)

Gene: SACS (sacsin molecular chaperone; minus strand). Cytogenetic location: 13q12.12.
Variant type: Deletion.
Coding change: c.6866_6867del on transcript NM_014363.6 (MANE Select); coding-DNA positions 6866 to 6867, 2 bases deleted (CA; older notation c.6866_6867delCA).
Protein change: p.Thr2289fs; shifts the reading frame from threonine 2289.
Molecular consequence: frameshift variant.
Genome position (GRCh38, 1-based): chr13:23,337,009-23,337,010, TG deleted on the plus strand (CA on the coding strand, the reverse complement: SACS is on the minus strand); deleting any 2 consecutive bases within chr13:23,337,009-23,337,011 gives the same sequence; the c. name uses the placement nearest the transcript's 3' end. VCF-style (leftmost placement, unchanged base first): chr13-23337008-CTG-C. GRCh37 (hg19) VCF-style: chr13-23911147-CTG-C.
Other names: c.6425_6426del, p.Thr2142fs (NM_001278055.2); short protein forms T2142fs, T2289fs.
Identifiers: ClinVar variation 2031062 (VCV002031062.5), dbSNP rs2542242904, ClinGen allele CA2580087137.